The following is an entry in ClinVar:

NM_000492.4(CFTR):c.1099G>A (p.Ala367Thr)

Gene: CFTR (CF transmembrane conductance regulator; plus strand). Cytogenetic location: 7q31.2.
Variant type: single nucleotide variant.
Coding change: c.1099G>A on transcript NM_000492.4 (MANE Select); coding-DNA position 1099, G replaced by A.
Protein change: p.Ala367Thr; replaces alanine 367 with threonine.
Molecular consequence: missense variant.
Genome position (GRCh38, 1-based): chr7:117,540,329, G>A. VCF-style: chr7-117540329-G-A. GRCh37 (hg19) VCF-style: chr7-117180383-G-A.
Other names: short protein forms A367T.
Identifiers: ClinVar variation 2624963 (VCV002624963.2), dbSNP rs2485027261, ClinGen allele CA368979065.

ClinVar aggregate classification (germline): Uncertain significance (1 of 4 stars; one submission).

Conditions:
Cystic fibrosis (CF). Also called: MUCOVISCIDOSIS. Identifiers: Orphanet 586, MedGen C0010674, MONDO:0009061, OMIM 219700. Disease mechanism: loss of function.

Submission:

Ambry Genetics
Classification: Uncertain significance for Cystic fibrosis. Last evaluated: 2023-07-29. Review status: criteria provided, single submitter. Criteria: Ambry Variant Classification Scheme 2023. Collection method: clinical testing. Allele origin: germline.
Comment: The p.A367T variant (also known as c.1099G>A), located in coding exon 8 of the CFTR gene, results from a G to A substitution at nucleotide position 1099. The alanine at codon 367 is replaced by threonine, an amino acid with similar properties. This amino acid position is conserved. In addition, the in silico prediction for this alteration is inconclusive. Since supporting evidence is limited at this time, the clinical significance of this alteration remains unclear.